The following is an entry in ClinVar:

NM_004364.5(CEBPA):c.1066A>C (p.Asn356His)

Gene: CEBPA (CCAAT enhancer binding protein alpha; minus strand). Cytogenetic location: 19q13.11.
Variant type: single nucleotide variant.
Coding change: c.1066A>C on transcript NM_004364.5 (MANE Select); coding-DNA position 1066, A replaced by C.
Protein change: p.Asn356His; replaces asparagine 356 with histidine.
Molecular consequence: missense variant.
Genome position (GRCh38, 1-based): chr19:33,301,349, T>G on the plus strand (A>C on the coding strand, the complement: CEBPA is on the minus strand). VCF-style: chr19-33301349-T-G. GRCh37 (hg19) VCF-style: chr19-33792255-T-G.
Other names: c.1024A>C, p.Asn342His (NM_001287435.2); c.709A>C, p.Asn237His (NM_001285829.2); c.1171A>C, p.Asn391His (NM_001287424.2); short protein forms N391H, N342H, N356H, N237H.
Identifiers: ClinVar variation 4843297 (VCV004843297.1).

ClinVar aggregate classification (germline): Uncertain significance (1 of 4 stars; one submission).

Conditions:
Inborn genetic diseases. Identifiers: MedGen C0950123, MeSH D030342.

Submission:

Ambry Genetics
Classification: Uncertain significance for Inborn genetic diseases. Last evaluated: 2026-01-04. Review status: criteria provided, single submitter. Criteria: Ambry Variant Classification Scheme 2023. Collection method: clinical testing. Allele origin: germline.
Comment: The p.N356H variant (also known as c.1066A>C), located in coding exon 1 of the CEBPA gene, results from an A to C substitution at nucleotide position 1066. The asparagine at codon 356 is replaced by histidine, an amino acid with similar properties. This amino acid position is conserved. In addition, this alteration is predicted to be tolerated by in silico analysis. Based on the available evidence, the clinical significance of this variant remains unclear.